The following is an entry in ClinVar:

NM_015135.3(NUP205):c.112C>T (p.Leu38Phe)

Gene: NUP205 (nucleoporin 205; plus strand). Cytogenetic location: 7q33.
Variant type: single nucleotide variant.
Coding change: c.112C>T on transcript NM_015135.3 (MANE Select); coding-DNA position 112, C replaced by T.
Protein change: p.Leu38Phe; replaces leucine 38 with phenylalanine.
Molecular consequence: missense variant. On other transcripts: 5 prime UTR variant (1).
Genome position (GRCh38, 1-based): chr7:135,571,188, C>T. VCF-style: chr7-135571188-C-T. GRCh37 (hg19) VCF-style: chr7-135255936-C-T.
Other names: c.-974C>T (NM_001329434.2); c.112C>T (NM_015135.2); short protein forms L38F.
Identifiers: ClinVar variation 2057962 (VCV002057962.6), dbSNP rs142893035, ClinGen allele CA4497758.

ClinVar aggregate classification (germline): Conflicting classifications of pathogenicity. Review status: criteria provided, conflicting classifications (1 of 4 stars). 3 submissions from 3 submitters: Uncertain significance (2); Likely benign (1). Last evaluated 2025-06-12.

Conditions:
NUP205-related disorder. Also called: NUP205-related condition.

Allele frequency attached by ClinVar (database versions not stated): gnomAD exomes 0.00004; 1000 Genomes Project 30x 0.00016; ExAC 0.00019; 1000 Genomes Project 0.00020; gnomAD 0.00045; TOPMed 0.00046; ESP Exome Variant Server 0.00085.

Submissions (3):

Labcorp Genetics (formerly Invitae), Labcorp
Classification: Uncertain significance. Last evaluated: 2025-06-12. Review status: criteria provided, single submitter. Criteria: Invitae Variant Classification Sherloc (09022015). Collection method: clinical testing. Allele origin: germline.
Comment: This sequence change replaces leucine, which is neutral and non-polar, with phenylalanine, which is neutral and non-polar, at codon 38 of the NUP205 protein (p.Leu38Phe). This variant is present in population databases (rs142893035, gnomAD 0.2%). This variant has not been reported in the literature in individuals affected with NUP205-related conditions. ClinVar contains an entry for this variant (Variation ID: 2057962). Invitae Evidence Modeling of protein sequence and biophysical properties (such as structural, functional, and spatial information, amino acid conservation, physicochemical variation, residue mobility, and thermodynamic stability) indicates that this missense variant is not expected to disrupt NUP205 protein function with a negative predictive value of 80%. In summary, the available evidence is currently insufficient to determine the role of this variant in disease. Therefore, it has been classified as a Variant of Uncertain Significance.

PreventionGenetics, part of Exact Sciences
Classification: Likely benign for NUP205-related condition. Last evaluated: 2024-11-27. Review status: criteria provided, single submitter. Criteria: ACMG Guidelines, 2015. Collection method: clinical testing. Allele origin: germline.
Comment: This variant is classified as likely benign based on ACMG/AMP sequence variant interpretation guidelines (Richards et al. 2015 PMID: 25741868, with internal and published modifications).

Blueprint Genetics
Classification: Uncertain significance. Last evaluated: 2024-02-08. Review status: criteria provided, single submitter. Criteria: ACMG Guidelines, 2015. Collection method: clinical testing. Allele origin: germline.